The following is an entry in ClinVar:

NM_020937.4(FANCM):c.1555G>T (p.Gly519Cys)

Gene: FANCM (FA complementation group M; plus strand). Cytogenetic location: 14q21.2.
Variant type: single nucleotide variant.
Coding change: c.1555G>T on transcript NM_020937.4 (MANE Select); coding-DNA position 1555, G replaced by T.
Protein change: p.Gly519Cys; replaces glycine 519 with cysteine.
Molecular consequence: missense variant.
Genome position (GRCh38, 1-based): chr14:45,159,254, G>T. VCF-style: chr14-45159254-G-T. GRCh37 (hg19) VCF-style: chr14-45628457-G-T.
Other names: c.1477G>T, p.Gly493Cys (NM_001308133.2); c.1555G>T, p.Gly519Cys (NM_001308134.2); short protein forms G493C, G519C.
Identifiers: ClinVar variation 5036638 (VCV005036638.1).

ClinVar aggregate classification (germline): Uncertain significance (1 of 4 stars; one submission).

Conditions:
Inborn genetic diseases. Identifiers: MedGen C0950123, MeSH D030342.

gnomAD v4.1: 1 of 1,613,146 alleles (0.000062%); highest among the groups gnomAD compares: Non-Finnish European, 0.000085%; no homozygotes.

Submission:

Ambry Genetics
Classification: Uncertain significance for Inborn genetic diseases. Last evaluated: 2026-07-23. Review status: criteria provided, single submitter. Criteria: Ambry Variant Classification Scheme 2023. Collection method: clinical testing. Allele origin: germline.
Comment: The p.G519C variant (also known as c.1555G>T), located in coding exon 9 of the FANCM gene, results from a G to T substitution at nucleotide position 1555. The glycine at codon 519 is replaced by cysteine, an amino acid with highly dissimilar properties. This amino acid position is conserved. In addition, the in silico prediction for this alteration is inconclusive. Based on the available evidence, the clinical significance of this variant remains unclear.